The following is an entry in ClinVar:

ClinVar aggregate classification (germline): Uncertain significance. Review status: criteria provided, multiple submitters, no conflicts (2 of 4 stars). 3 submissions from 3 submitters: Uncertain significance (3). Last evaluated 2025-12-01.

Conditions:
Bardet-Biedl syndrome 18 (BBS18). Identifiers: Orphanet 110, MedGen C3806174, MONDO:0014446, OMIM 615995.

Allele frequency attached by ClinVar (database versions not stated): gnomAD exomes 0.00001; gnomAD 0.00006 and 0.00007; TOPMed 0.00010.
gnomAD v4.1: 21 of 1,534,376 alleles (0.0014%); highest among the groups gnomAD compares: African/African-American, 0.023%; no homozygotes.

Submissions (3):

Labcorp Genetics (formerly Invitae), Labcorp
Classification: Uncertain significance. Last evaluated: 2025-12-01. Review status: criteria provided, single submitter. Criteria: Invitae Variant Classification Sherloc (09022015). Collection method: clinical testing. Allele origin: germline.
Comment: This sequence change replaces threonine, which is neutral and polar, with serine, which is neutral and polar, at codon 16 of the BBIP1 protein (p.Thr16Ser). This variant is present in population databases (no rsID available, gnomAD 0.01%). This missense change has been observed in individual(s) with obesity (PMID: 35562395). ClinVar contains an entry for this variant (Variation ID: 939645). An algorithm developed to predict the effect of missense changes on protein structure and function (PolyPhen-2) suggests that this variant is likely to be disruptive. In summary, the available evidence is currently insufficient to determine the role of this variant in disease. Therefore, it has been classified as a Variant of Uncertain Significance.

Ambry Genetics
Classification: Uncertain significance. Last evaluated: 2024-04-23. Review status: criteria provided, single submitter. Criteria: Ambry Variant Classification Scheme 2023. Collection method: clinical testing. Allele origin: germline.

Fulgent Genetics
Classification: Uncertain significance for Bardet-Biedl syndrome 18. Last evaluated: 2022-05-23. Review status: criteria provided, single submitter. Criteria: ACMG Guidelines, 2015. Collection method: clinical testing. Allele origin: unknown.

Literature cited by the submitters: PubMed 35562395 (cited by Labcorp Genetics (formerly Invitae), Labcorp).

NM_001195305.3(BBIP1):c.46A>T (p.Thr16Ser)

Gene: BBIP1 (BBSome interacting protein 1; minus strand). Cytogenetic location: 10q25.2.
Variant type: single nucleotide variant.
Coding change: c.46A>T on transcript NM_001195305.3 (MANE Select); coding-DNA position 46, A replaced by T.
Protein change: p.Thr16Ser; replaces threonine 16 with serine.
Molecular consequence: missense variant. On other transcripts: 5 prime UTR variant (1), intron variant (1).
Genome position (GRCh38, 1-based): chr10:110,901,604, T>A on the plus strand (A>T on the coding strand, the complement: BBIP1 is on the minus strand). VCF-style: chr10-110901604-T-A. GRCh37 (hg19) VCF-style: chr10-112661362-T-A.
Other names: c.203A>T (NM_001195304.1); c.203A>T, p.His68Leu (NM_001195304.2); c.46A>T, p.Thr16Ser (NM_001195306.2); c.-21A>T (NM_001243783.3); c.38-1078A>T (NM_001195307.2); short protein forms T16S, H68L.
Identifiers: ClinVar variation 939645 (VCV000939645.11), dbSNP rs946591185, ClinGen allele CA213247814.